The following is an entry in ClinVar:

NM_016219.5(MAN1B1):c.183C>T (p.Asp61=)

Genes: MAN1B1 (mannosidase alpha class 1B member 1; plus strand), LOC130003079 (ATAC-STARR-seq lymphoblastoid silent region 20579; plus strand). Cytogenetic location: 9q34.3.
Variant type: single nucleotide variant.
Coding change: c.183C>T on transcript NM_016219.5 (MANE Select); coding-DNA position 183, C replaced by T.
Protein change: p.Asp61=; no amino-acid change (aspartic acid 61 retained).
Molecular consequence: synonymous variant. On other transcripts: non-coding transcript variant (2).
Genome position (GRCh38, 1-based): chr9:137,087,182, C>T. VCF-style: chr9-137087182-C-T. GRCh37 (hg19) VCF-style: chr9-139981634-C-T.
Identifiers: ClinVar variation 365944 (VCV000365944.22), dbSNP rs202182837, ClinGen allele CA5358477.

ClinVar aggregate classification (germline): Benign/Likely benign. Review status: criteria provided, multiple submitters, no conflicts (2 of 4 stars). 5 submissions from 5 submitters: Benign (2); Likely benign (3). Last evaluated 2026-01-26.

Conditions:
Inborn genetic diseases. Identifiers: MedGen C0950123, MeSH D030342.
Rafiq syndrome (RAFQS). Identifiers: Orphanet 88616, MedGen C3280127, MONDO:0013624, OMIM 614202.

Allele frequency attached by ClinVar (database versions not stated): gnomAD exomes 0.00071; ExAC 0.00132; ESP Exome Variant Server 0.00258; 1000 Genomes Project 0.00280; gnomAD 0.00307 and 0.00329; 1000 Genomes Project 30x 0.00312; TOPMed 0.00391.
gnomAD v4.1: 884 of 1,591,500 alleles (0.056%); highest among the groups gnomAD compares: African/African-American, 0.95%; 9 homozygotes.

Submissions (5):

Labcorp Genetics (formerly Invitae), Labcorp
Classification: Benign for Rafiq syndrome. Last evaluated: 2026-01-26. Review status: criteria provided, single submitter. Criteria: Invitae Variant Classification Sherloc (09022015). Collection method: clinical testing. Allele origin: germline.

Blueprint Genetics
Classification: Likely benign. Last evaluated: 2024-08-12. Review status: criteria provided, single submitter. Criteria: ACMG Guidelines, 2015. Collection method: clinical testing. Allele origin: germline.

Illumina Laboratory Services, Illumina
Classification: Benign for Rafiq syndrome. Last evaluated: 2018-01-13. Review status: criteria provided, single submitter. Criteria: ICSL Variant Classification Criteria 13 December 2019. Collection method: clinical testing. Allele origin: germline.
Comment: This variant was observed in the ICSL laboratory as part of a predisposition screen in an ostensibly healthy population. It had not been previously curated by ICSL or reported in the Human Gene Mutation Database (HGMD: prior to June 1st, 2018), and was therefore a candidate for classification through an automated scoring system. Utilizing variant allele frequency, disease prevalence and penetrance estimates, and inheritance mode, an automated score was calculated to assess if this variant is too frequent to cause the disease. Based on the score and internal cut-off values, a variant classified as benign is not then subjected to further curation. The score for this variant resulted in a classification of benign for this disease.

Ambry Genetics
Classification: Likely benign for Inborn genetic diseases. Last evaluated: 2016-05-11. Review status: criteria provided, single submitter. Criteria: Ambry Variant Classification Scheme 2023. Collection method: clinical testing. Allele origin: germline.

Breakthrough Genomics
Classification: Likely benign. Review status: criteria provided, single submitter. Criteria: ACMG Guidelines, 2015. Collection method: not provided. Allele origin: germline. Inheritance: Autosomal recessive inheritance. Affected: yes.